The following is an entry in ClinVar:

ClinVar aggregate classification (germline): Likely pathogenic (1 of 4 stars; one submission).

Conditions:
Generalized epilepsy with febrile seizures plus, type 9 (GEFSP9). Also called: GEFS+, TYPE 9. Identifiers: Orphanet 36387, MedGen C4015395, MONDO:0014517, OMIM 616172.

Submission:

3billion
Classification: Likely pathogenic for Generalized epilepsy with febrile seizures plus, type 9. Last evaluated: 2025-05-22. Review status: criteria provided, single submitter. Criteria: ACMG Guidelines, 2015. Collection method: clinical testing. Allele origin: germline. Affected: yes.
Comment: The variant is not observed in the gnomAD v4.1.0 dataset. Predicted Consequence/Location: Frameshift: predicted to result in a loss or disruption of normal protein function through protein truncation. The predicted truncated protein may be shortened by more than 10%. Therefore, this variant is classified as Likely pathogenic according to the recommendation of ACMG/AMP guideline.

NM_052874.5(STX1B):c.778del (p.Ala260fs)

Gene: STX1B (syntaxin 1B; minus strand). Cytogenetic location: 16p11.2.
Variant type: Deletion.
Coding change: c.778del on transcript NM_052874.5 (MANE Select); coding-DNA position 778, one base deleted (G; older notation c.778delG).
Protein change: p.Ala260fs; shifts the reading frame from alanine 260.
Molecular consequence: frameshift variant.
Genome position (GRCh38, 1-based): chr16:30,993,138, C deleted on the plus strand (G on the coding strand, the reverse complement: STX1B is on the minus strand); the first of 2 consecutive C bases (chr16:30,993,138-30,993,139); deleting either gives the same sequence. VCF-style (leftmost placement, unchanged base first): chr16-30993137-GC-G. GRCh37 (hg19) VCF-style: chr16-31004458-GC-G.
Other names: short protein forms A260fs.
Identifiers: ClinVar variation 4856290 (VCV004856290.1).
Genomic context (GRCh38, chr16:30,993,137, plus strand): 5'-CGGGCTCAGCCTTGGGCTCCCCCGCCTACCCCCAGGCCGCCTGCCCCGCTCACCCTCCGG[GC>G]CTTGCTCTGATATTTCACTGCTTTCTTGGTGTCAGACACAGCTCGCTCCACGTAGTCCAC-3'